The following is an entry in ClinVar:

NM_006158.5(NEFL):c.1382C>T (p.Ala461Val)

Gene: NEFL (neurofilament light chain; minus strand). Cytogenetic location: 8p21.2.
Variant type: single nucleotide variant.
Coding change: c.1382C>T on transcript NM_006158.5 (MANE Select); coding-DNA position 1382, C replaced by T.
Protein change: p.Ala461Val; replaces alanine 461 with valine.
Molecular consequence: missense variant.
Genome position (GRCh38, 1-based): chr8:24,953,583, G>A on the plus strand (C>T on the coding strand, the complement: NEFL is on the minus strand). VCF-style: chr8-24953583-G-A. GRCh37 (hg19) VCF-style: chr8-24811097-G-A.
Other names: short protein forms A461V.
Identifiers: ClinVar variation 1771318 (VCV001771318.2), dbSNP rs2486881462, ClinGen allele CA370620051.
Genomic context (GRCh38, chr8:24,953,583, plus strand): 5'-TTCTCCTCCTCCTCGGCTTCTCCTTCAGAGGGGGGCTCATCCTTGGCTTCCTCAGCCTTG[G>A]CAGCCTCAATGGTTTCCTCCACTTCGATCTGCTCCTCTTGGACATGGCTGGTGTAGTAGG-3'
Protein context (NP_006149.2, residues 451-471): QIEVEETIEA[Ala461Val]KAEEAKDEPP

ClinVar aggregate classification (germline): Uncertain significance (1 of 4 stars; one submission).

Conditions:
Inborn genetic diseases. Identifiers: MedGen C0950123, MeSH D030342.

gnomAD v4.1: 1 of 1,613,934 alleles (0.000062%); highest among the groups gnomAD compares: Non-Finnish European, 0.000085%; no homozygotes.

Submission:

Ambry Genetics
Classification: Uncertain significance for Inborn genetic diseases. Last evaluated: 2022-05-22. Review status: criteria provided, single submitter. Criteria: Ambry Variant Classification Scheme 2023. Collection method: clinical testing. Allele origin: germline.
Comment: The p.A461V variant (also known as c.1382C>T), located in coding exon 3 of the NEFL gene, results from a C to T substitution at nucleotide position 1382. The alanine at codon 461 is replaced by valine, an amino acid with similar properties. This amino acid position is conserved. In addition, this alteration is predicted to be tolerated by in silico analysis. Since supporting evidence is limited at this time, the clinical significance of this alteration remains unclear.